The following is an entry in ClinVar:

ClinVar aggregate classification (germline): Pathogenic/Likely pathogenic. Review status: criteria provided, multiple submitters, no conflicts (2 of 4 stars). 5 submissions from 5 submitters: Pathogenic (3); Likely pathogenic (1). 1 of the submissions does not count toward it. Last evaluated 2026-05-08.

Conditions:
Refsum syndrome.
Refsum disease, classic. Also called: PHYH-Related Refsum Disease; HEREDOPATHIA ATACTICA POLYNEURITIFORMIS; HMSN IV; PHYTANIC ACID OXIDASE DEFICIENCY. Identifiers: Orphanet 773, MedGen C5780941, MONDO:1060256, OMIM 266500. Disease mechanism: loss of function.
PHYH-related disorder. Also called: PHYH-related condition.

Allele frequency attached by ClinVar (database versions not stated): TOPMed 0.00001; gnomAD 0.00001; gnomAD exomes 0.00003.
gnomAD v4.1: 26 of 1,113,868 alleles (0.0023%); highest among the groups gnomAD compares: Non-Finnish European, 0.0036%; no homozygotes.

Submissions (5):

PreventionGenetics, part of Exact Sciences
Classification: Pathogenic for PHYH-related condition. Last evaluated: 2026-05-08. Review status: criteria provided, single submitter. Criteria: ACMG Guidelines, 2015. Collection method: clinical testing. Allele origin: germline.
Comment: The PHYH c.135-1G>C variant is predicted to disrupt the AG splice acceptor site and interfere with normal splicing. This variant has been reported in individuals with Refsum disease (Jansen et al. 2000. PubMed ID: 10767344; Table S2, Sharon et al. 2020. PubMed ID: 31456290). cDNA studies showed that disruptions of this splice site resulted in exon skipping and an inframe deletion of 37 amino acid residues. Heterologous expression studies suggested the altered protein was less stable and lack of enzyme activity (Jansen et al. 2000. PubMed ID: 10767344). This variant is reported in 0.00078% of alleles in individuals of European (Non-Finnish) descent in gnomAD. An alternate nucleotide change affecting this splice site, c.135-2A>G, has also been reported in individuals with Refsum disease (Jansen et al. 2000. PubMed ID: 10767344). Variants that disrupt the consensus splice acceptor site in PHYH are expected to be pathogenic. This variant is interpreted as pathogenic.

Labcorp Genetics (formerly Invitae), Labcorp
Classification: Pathogenic. Last evaluated: 2025-06-11. Review status: criteria provided, single submitter. Criteria: Invitae Variant Classification Sherloc (09022015). Collection method: clinical testing. Allele origin: germline.
Comment: This sequence change affects an acceptor splice site in intron 2 of the PHYH gene. It is expected to disrupt RNA splicing. Variants that disrupt the donor or acceptor splice site typically lead to a loss of protein function (PMID: 16199547), and loss-of-function variants in PHYH are known to be pathogenic (PMID: 9326940, 14974078). This variant is present in population databases (no rsID available, gnomAD 0.0008%). Disruption of this splice site has been observed in individuals with clinical features of Refsum disease (PMID: 9326939, 10767344, 17905308, 31240149, 31456290). ClinVar contains an entry for this variant (Variation ID: 812375). Algorithms developed to predict the effect of sequence changes on RNA splicing suggest that this variant may disrupt the consensus splice site. For these reasons, this variant has been classified as Pathogenic.

Fulgent Genetics
Classification: Likely pathogenic for Refsum disease, classic. Last evaluated: 2024-01-02. Review status: criteria provided, single submitter. Criteria: ACMG Guidelines, 2015. Collection method: clinical testing. Allele origin: germline.

Baylor Genetics
Classification: Pathogenic for Refsum disease, classic. Last evaluated: 2023-01-27. Review status: criteria provided, single submitter. Criteria: ACMG Guidelines, 2015. Collection method: clinical testing. Allele origin: unknown.

Sharon lab, Hadassah-Hebrew University Medical Center
Classification: Pathogenic for Refsum syndrome. Last evaluated: 2019-06-23. Review status: no assertion criteria provided. Collection method: research. Allele origin: inherited. Affected: yes. Not counted in ClinVar's aggregate classification.

Literature cited by the submitters: PubMed 16199547 (cited by Labcorp Genetics (formerly Invitae), Labcorp); PubMed 9326940 (cited by Labcorp Genetics (formerly Invitae), Labcorp); PubMed 14974078 (cited by Labcorp Genetics (formerly Invitae), Labcorp); PubMed 9326939 (cited by Labcorp Genetics (formerly Invitae), Labcorp); PubMed 10767344 (cited by Labcorp Genetics (formerly Invitae), Labcorp); PubMed 17905308 (cited by Labcorp Genetics (formerly Invitae), Labcorp); PubMed 31240149 (cited by Labcorp Genetics (formerly Invitae), Labcorp); PubMed 31456290 (cited by Labcorp Genetics (formerly Invitae), Labcorp).

NM_006214.4(PHYH):c.135-1G>C

Gene: PHYH (phytanoyl-CoA 2-hydroxylase; minus strand). Cytogenetic location: 10p13.
Variant type: single nucleotide variant.
Coding change: c.135-1G>C on transcript NM_006214.4 (MANE Select); the canonical splice acceptor site of the intron before coding-DNA position 135, G replaced by C.
Molecular consequence: splice acceptor variant.
Genome position (GRCh38, 1-based): chr10:13,295,607, C>G on the plus strand (G>C on the coding strand, the complement: PHYH is on the minus strand). VCF-style: chr10-13295607-C-G. GRCh37 (hg19) VCF-style: chr10-13337607-C-G.
Other names: c.135-1G>C (NM_001323083.2, NM_001323082.2); c.-166-1G>C (NM_001037537.2, NM_001323084.2, NM_001323080.2).
Identifiers: ClinVar variation 812375 (VCV000812375.10), dbSNP rs1057272016, ClinGen allele CA203283602.
Genomic context (GRCh38, chr10:13,295,607, plus strand): 5'-CCATTTTCTTCATAAAATTTTCTCTGTTCCAGGGTTAGAACGTTATTATCCAGAGTATAC[C>G]TAAAGGAGAAAAAGAATCCCAAAATAAGTTACATTTTTAAATTACAGGCTAGGCACAATG-3'